The following is an entry in ClinVar:

NM_178170.3(NEK8):c.41C>T (p.Ala14Val)

Gene: NEK8 (NIMA related kinase 8; plus strand). Cytogenetic location: 17q11.2.
Variant type: single nucleotide variant.
Coding change: c.41C>T on transcript NM_178170.3 (MANE Select); coding-DNA position 41, C replaced by T.
Protein change: p.Ala14Val; replaces alanine 14 with valine.
Molecular consequence: missense variant.
Genome position (GRCh38, 1-based): chr17:28,728,854, C>T. VCF-style: chr17-28728854-C-T. GRCh37 (hg19) VCF-style: chr17-27055872-C-T.
Other names: short protein forms A14V.
Identifiers: ClinVar variation 2283824 (VCV002283824.4), dbSNP rs766050312, ClinGen allele CA8467000.

ClinVar aggregate classification (germline): Uncertain significance. Review status: criteria provided, multiple submitters, no conflicts (2 of 4 stars). 2 submissions from 2 submitters: Uncertain significance (2). Last evaluated 2025-07-07.

Conditions:
Nephronophthisis 9 (NPHP9). Identifiers: Orphanet 655, MedGen C3151188, MONDO:0013444, OMIM 613824.
Inborn genetic diseases. Identifiers: MedGen C0950123, MeSH D030342.

Allele frequency attached by ClinVar (database versions not stated): gnomAD 0.00001; ExAC 0.00005; gnomAD exomes below 0.00001; TOPMed 0.00001.
gnomAD v4.1: 6 of 1,550,896 alleles (0.00039%); highest among the groups gnomAD compares: Admixed American, 0.0059%; no homozygotes.

Submissions (2):

Labcorp Genetics (formerly Invitae), Labcorp
Classification: Uncertain significance for Nephronophthisis 9. Last evaluated: 2025-07-07. Review status: criteria provided, single submitter. Criteria: Invitae Variant Classification Sherloc (09022015). Collection method: clinical testing. Allele origin: germline.
Comment: This sequence change replaces alanine, which is neutral and non-polar, with valine, which is neutral and non-polar, at codon 14 of the NEK8 protein (p.Ala14Val). The frequency data for this variant in the population databases is considered unreliable, as metrics indicate poor data quality at this position in the gnomAD database. This variant has not been reported in the literature in individuals affected with NEK8-related conditions. ClinVar contains an entry for this variant (Variation ID: 2283824). An algorithm developed to predict the effect of missense changes on protein structure and function (PolyPhen-2) suggests that this variant is likely to be disruptive. In summary, the available evidence is currently insufficient to determine the role of this variant in disease. Therefore, it has been classified as a Variant of Uncertain Significance.

Ambry Genetics
Classification: Uncertain significance for Inborn genetic diseases. Last evaluated: 2022-04-13. Review status: criteria provided, single submitter. Criteria: Ambry Variant Classification Scheme 2023. Collection method: clinical testing. Allele origin: germline.